The following is an entry in ClinVar:

ClinVar aggregate classification (germline): Uncertain significance. Review status: criteria provided, multiple submitters, no conflicts (2 of 4 stars). 2 submissions from 2 submitters: Uncertain significance (2). Last evaluated 2025-06-08.

Conditions:
Kabuki syndrome. Also called: Kabuki make-up syndrome; NIIKAWA-KUROKI SYNDROME. Identifiers: Orphanet 2322, MedGen C0796004, MONDO:0016512.
Inborn genetic diseases. Identifiers: MedGen C0950123, MeSH D030342.

Allele frequency attached by ClinVar (database versions not stated): TOPMed below 0.00001.
gnomAD v4.1: 3 of 1,606,320 alleles (0.00019%); highest among the groups gnomAD compares: Non-Finnish European, 0.00026%; no homozygotes.

Submissions (2):

Ambry Genetics
Classification: Uncertain significance for Inborn genetic diseases. Last evaluated: 2025-06-08. Review status: criteria provided, single submitter. Criteria: Ambry Variant Classification Scheme 2023. Collection method: clinical testing. Allele origin: germline.

Labcorp Genetics (formerly Invitae), Labcorp
Classification: Uncertain significance for Kabuki syndrome. Last evaluated: 2025-02-02. Review status: criteria provided, single submitter. Criteria: Invitae Variant Classification Sherloc (09022015). Collection method: clinical testing. Allele origin: germline.
Comment: This sequence change replaces methionine, which is neutral and non-polar, with threonine, which is neutral and polar, at codon 3389 of the KMT2D protein (p.Met3389Thr). This variant is not present in population databases (gnomAD no frequency). This variant has not been reported in the literature in individuals affected with KMT2D-related conditions. ClinVar contains an entry for this variant (Variation ID: 1446719). Invitae Evidence Modeling of protein sequence and biophysical properties (such as structural, functional, and spatial information, amino acid conservation, physicochemical variation, residue mobility, and thermodynamic stability) indicates that this missense variant is not expected to disrupt KMT2D protein function with a negative predictive value of 95%. In summary, the available evidence is currently insufficient to determine the role of this variant in disease. Therefore, it has been classified as a Variant of Uncertain Significance.

NM_003482.4(KMT2D):c.10166T>C (p.Met3389Thr)

Gene: KMT2D (lysine methyltransferase 2D; minus strand). Cytogenetic location: 12q13.12.
Variant type: single nucleotide variant.
Coding change: c.10166T>C on transcript NM_003482.4 (MANE Select); coding-DNA position 10166, T replaced by C.
Protein change: p.Met3389Thr; replaces methionine 3389 with threonine.
Molecular consequence: missense variant.
Genome position (GRCh38, 1-based): chr12:49,037,190, A>G on the plus strand (T>C on the coding strand, the complement: KMT2D is on the minus strand). VCF-style: chr12-49037190-A-G. GRCh37 (hg19) VCF-style: chr12-49430973-A-G.
Other names: c.10166T>C (NM_003482.3); short protein forms M3389T.
Identifiers: ClinVar variation 1446719 (VCV001446719.7), dbSNP rs779466301, ClinGen allele CA236643406.
Genomic context (GRCh38, chr12:49,037,190, plus strand): 5'-TCTGGGAAGAAGCTGTTTGCCAGCTGCTGCTGCATTGCCAATTGCTGCGGCTTCATGCAC[A>G]TGGAAGGTGGCATGGTGCCCATGGGCTTCTGTGATAGCACTGGCTGTGAGCTCTGCTGGG-3'
Protein context (NP_003473.3, residues 3379-3399): QKPMGTMPPS[Met3389Thr]CMKPQQLAMQ